The following is an entry in ClinVar:

NM_014249.4(NR2E3):c.1179G>T (p.Lys393Asn)

Gene: NR2E3 (nuclear receptor subfamily 2 group E member 3; plus strand). Cytogenetic location: 15q23.
Variant type: single nucleotide variant.
Coding change: c.1179G>T on transcript NM_014249.4 (MANE Select); coding-DNA position 1179, G replaced by T.
Protein change: p.Lys393Asn; replaces lysine 393 with asparagine.
Molecular consequence: missense variant.
Genome position (GRCh38, 1-based): chr15:71,817,630, G>T. VCF-style: chr15-71817630-G-T. GRCh37 (hg19) VCF-style: chr15-72109971-G-T.
Other names: short protein forms K393N.
Identifiers: ClinVar variation 1037685 (VCV001037685.6), dbSNP rs751040956, ClinGen allele CA7640540.

ClinVar aggregate classification (germline): Uncertain significance. Review status: criteria provided, multiple submitters, no conflicts (2 of 4 stars). 4 submissions from 4 submitters: Uncertain significance (3). 1 of the submissions does not count toward it. Last evaluated 2025-09-03.

Conditions:
Enhanced S-cone syndrome (ESCS). Identifiers: Orphanet 53540, MedGen C1849394, MONDO:0100288, MONDO:0009989.
ENHANCED S-CONE SYNDROME 1 (ESCS1). Also called: RETINOSCHISIS WITH EARLY HEMERALOPIA; FAVRE HYALOIDEORETINAL DEGENERATION. Identifiers: MedGen CN380299, OMIM 268100.

Allele frequency attached by ClinVar (database versions not stated): TOPMed below 0.00001; ExAC 0.00001; gnomAD 0.00001; gnomAD exomes 0.00001 and 0.00003.
gnomAD v4.1: 49 of 1,610,558 alleles (0.003%); highest among the groups gnomAD compares: Non-Finnish European, 0.0038%; no homozygotes.

Submissions (4):

Myriad Genetics, Inc.
Classification: Uncertain significance for ENHANCED S-CONE SYNDROME 1. Last evaluated: 2025-09-03. Review status: criteria provided, single submitter. Criteria: Myriad Autosomal Dominant, Autosomal Recessive and X-Linked Classification Criteria (2023). Collection method: clinical testing. Allele origin: unknown.
Comment: NM_014249.2(NR2E3):c.1179G>T(K393N) is a missense variant classified as a variant of uncertain significance in the context of enhanced S-cone syndrome. K393N has not been observed in cases with relevant disease. Relevant functional assessments of this variant are not available in the literature. K393N has been observed in referenced population frequency databases. In summary, there is insufficient evidence to classify NM_014249.2(NR2E3):c.1179G>T(K393N) as pathogenic or benign. Please note: this variant was assessed in the context of healthy population screening.

Labcorp Genetics (formerly Invitae), Labcorp
Classification: Uncertain significance. Last evaluated: 2025-03-17. Review status: criteria provided, single submitter. Criteria: Invitae Variant Classification Sherloc (09022015). Collection method: clinical testing. Allele origin: germline.
Comment: This sequence change replaces lysine, which is basic and polar, with asparagine, which is neutral and polar, at codon 393 of the NR2E3 protein (p.Lys393Asn). This variant is present in population databases (rs751040956, gnomAD 0.004%). This variant has not been reported in the literature in individuals affected with NR2E3-related conditions. ClinVar contains an entry for this variant (Variation ID: 1037685). Invitae Evidence Modeling of protein sequence and biophysical properties (such as structural, functional, and spatial information, amino acid conservation, physicochemical variation, residue mobility, and thermodynamic stability) indicates that this missense variant is not expected to disrupt NR2E3 protein function with a negative predictive value of 80%. In summary, the available evidence is currently insufficient to determine the role of this variant in disease. Therefore, it has been classified as a Variant of Uncertain Significance.

Blueprint Genetics
Classification: Uncertain significance. Last evaluated: 2022-07-11. Review status: criteria provided, single submitter. Criteria: ACMG Guidelines, 2015. Collection method: clinical testing. Allele origin: germline.

Natera, Inc.
Classification: Uncertain significance for Enhanced S cone syndrome. Last evaluated: 2021-10-18. Review status: no assertion criteria provided. Collection method: clinical testing. Allele origin: germline. Not counted in ClinVar's aggregate classification.